The following is an entry in ClinVar:

NM_006947.4(SRP72):c.978A>G (p.Ile326Met)

Gene: SRP72 (signal recognition particle 72; plus strand). Cytogenetic location: 4q12.
Variant type: single nucleotide variant.
Coding change: c.978A>G on transcript NM_006947.4 (MANE Select); coding-DNA position 978, A replaced by G.
Protein change: p.Ile326Met; replaces isoleucine 326 with methionine.
Molecular consequence: missense variant. On other transcripts: non-coding transcript variant (1).
Genome position (GRCh38, 1-based): chr4:56,484,756, A>G. VCF-style: chr4-56484756-A-G. GRCh37 (hg19) VCF-style: chr4-57350922-A-G.
Other names: c.978A>G (NM_006947.3); c.795A>G, p.Ile265Met (NM_001267722.2); short protein forms I265M, I326M.
Identifiers: ClinVar variation 2985931 (VCV002985931.4), dbSNP rs780856924, ClinGen allele CA2931248.

ClinVar aggregate classification (germline): Uncertain significance. Review status: criteria provided, multiple submitters, no conflicts (2 of 4 stars). 2 submissions from 2 submitters: Uncertain significance (2). Last evaluated 2025-08-09.

Allele frequency attached by ClinVar (database versions not stated): ExAC 0.00002; gnomAD exomes below 0.00001.
gnomAD v4.1: 7 of 1,614,148 alleles (0.00043%); highest among the groups gnomAD compares: Non-Finnish European, 0.00059%; no homozygotes.

Submissions (2):

Labcorp Genetics (formerly Invitae), Labcorp
Classification: Uncertain significance. Last evaluated: 2025-08-09. Review status: criteria provided, single submitter. Criteria: Invitae Variant Classification Sherloc (09022015). Collection method: clinical testing. Allele origin: germline.
Comment: This sequence change replaces isoleucine, which is neutral and non-polar, with methionine, which is neutral and non-polar, at codon 326 of the SRP72 protein (p.Ile326Met). This variant is present in population databases (rs780856924, gnomAD 0.002%). This variant has not been reported in the literature in individuals affected with SRP72-related conditions. ClinVar contains an entry for this variant (Variation ID: 2985931). Invitae Evidence Modeling of protein sequence and biophysical properties (such as structural, functional, and spatial information, amino acid conservation, physicochemical variation, residue mobility, and thermodynamic stability) indicates that this missense variant is not expected to disrupt SRP72 protein function with a negative predictive value of 80%. In summary, the available evidence is currently insufficient to determine the role of this variant in disease. Therefore, it has been classified as a Variant of Uncertain Significance.

Ambry Genetics
Classification: Uncertain significance. Last evaluated: 2025-02-04. Review status: criteria provided, single submitter. Criteria: Ambry Variant Classification Scheme 2023. Collection method: clinical testing. Allele origin: germline.
Comment: The p.I326M variant (also known as c.978A>G), located in coding exon 10 of the SRP72 gene, results from an A to G substitution at nucleotide position 978. The isoleucine at codon 326 is replaced by methionine, an amino acid with highly similar properties. This amino acid position is conserved. In addition, this alteration is predicted to be tolerated by in silico analysis. Based on the available evidence, the clinical significance of this variant remains unclear.